The following is an entry in ClinVar:

ClinVar aggregate classification (germline): Uncertain significance. Review status: criteria provided, multiple submitters, no conflicts (2 of 4 stars). 19 submissions from 19 submitters: Uncertain significance (17). 2 of the submissions do not count toward it. Last evaluated 2026-05-20.

Conditions:
Fanconi anemia complementation group J. Also called: BRIP1-Related Fanconi Anemia. Identifiers: Orphanet 84, MedGen C1836860, MONDO:0012187, OMIM 609054.
Ovarian cancer. Also called: OVARIAN CANCER, SOMATIC. Identifiers: Orphanet 213500, MedGen C1140680, MONDO:0008170, OMIM 167000.
BRIP1-related disorder. Also called: BRIP1-related condition; BRIP1-related disorders. Identifiers: MedGen CN239206.
Breast and/or ovarian cancer. Identifiers: MedGen CN221562.
Familial cancer of breast. Also called: hereditary breast carcinoma; Hereditary breast cancer; BREAST CANCER, FAMILIAL. Identifiers: Orphanet 227535, MedGen C0346153, MONDO:0016419, OMIM 114480. Disease mechanism: loss of function.
Hereditary cancer-predisposing syndrome. Also called: Neoplastic Syndromes, Hereditary; Tumor predisposition; Hereditary Cancer Syndrome; Hereditary neoplastic syndrome. Identifiers: Orphanet 140162, MedGen C0027672, MeSH D009386, MONDO:0015356.
Malignant tumor of breast. Also called: Cancer breast; Malignant breast neoplasm. Identifiers: MedGen C0006142, MONDO:0007254. Disease mechanism: loss of function.

Allele frequency attached by ClinVar (database versions not stated): ExAC 0.00005; gnomAD 0.00006 and 0.00007; gnomAD exomes 0.00006 and 0.00008; TOPMed 0.00006; ESP Exome Variant Server 0.00008.
gnomAD v4.1: 120 of 1,614,080 alleles (0.0074%); highest among the groups gnomAD compares: Middle Eastern, 0.017%; no homozygotes.

Submissions 1 to 11 of 19:

PreventionGenetics, part of Exact Sciences
Classification: Uncertain significance for BRIP1-related condition. Last evaluated: 2026-05-20. Review status: criteria provided, single submitter. Criteria: ACMG Guidelines, 2015. Collection method: clinical testing. Allele origin: germline.
Comment: The BRIP1 c.2087C>T variant is predicted to result in the amino acid substitution p.Pro696Leu. This variant has been reported in two individuals with ovarian cancer (Table 3, Jarhelle et al. 2019. PubMed ID: 31882575) and in individuals with breast cancer (Table S1, Easton et al. 2016. PubMed ID: 26921362; Table S4, Weber-Lassalle et al. 2018. PubMed ID: 29368626). However, it has also been reported in a control individual from a breast cancer cohort study (Table S3, Easton et al. 2016. PubMed ID: 26921362). A variant interpretation study classified this variant as likely benign (Tables S4 and S5, Maxwell et al. 2016. PubMed ID: 27153395). This variant is reported in 0.0093% of alleles in individuals of European (Non-Finnish) descent in gnomAD and is interpreted as uncertain significance in ClinVar (Variation ID: 128167). At this time, the clinical significance of this variant is uncertain due to the absence of conclusive functional and genetic evidence.

Labcorp Genetics (formerly Invitae), Labcorp
Classification: Uncertain significance for Familial cancer of breast; Fanconi anemia complementation group J. Last evaluated: 2026-01-30. Review status: criteria provided, single submitter. Criteria: Invitae Variant Classification Sherloc (09022015). Collection method: clinical testing. Allele origin: germline.
Comment: This sequence change replaces proline, which is neutral and non-polar, with leucine, which is neutral and non-polar, at codon 696 of the BRIP1 protein (p.Pro696Leu). This variant is present in population databases (rs147755155, gnomAD 0.008%). This missense change has been observed in individual(s) with BRIP1-related conditions (PMID: 26921362, 29368626, 33047316, 36035419, 38734904). ClinVar contains an entry for this variant (Variation ID: 128167). Invitae Evidence Modeling of protein sequence and biophysical properties (such as structural, functional, and spatial information, amino acid conservation, physicochemical variation, residue mobility, and thermodynamic stability) has been performed for this missense variant. However, the output from this modeling did not meet the statistical confidence thresholds required to predict the impact of this variant on BRIP1 protein function. In summary, the available evidence is currently insufficient to determine the role of this variant in disease. Therefore, it has been classified as a Variant of Uncertain Significance.

GeneDx
Classification: Uncertain significance. Last evaluated: 2025-08-19. Review status: criteria provided, single submitter. Criteria: GeneDx Variant Classification Process June 2021. Collection method: clinical testing. Allele origin: germline. Affected: yes.
Comment: In silico analysis supports that this missense variant has a deleterious effect on protein structure/function; Observed in individuals with breast cancer, ovarian cancer, or myelodysplastic syndrome, but also in control groups (PMID: 26921362, 29368626, 31882575, 33471991, 36035419, 33047316, 37216690, 38734904); This variant is associated with the following publications: (PMID: 26921362, 29368626, 27153395, 36035419, 37216690, 33047316, Milano2023[Pre-Print], 33471991, 31882575, 11301010, 38734904)

Quest Diagnostics Nichols Institute San Juan Capistrano
Classification: Uncertain significance. Last evaluated: 2025-08-13. Review status: criteria provided, single submitter. Criteria: Quest Diagnostics criteria. Collection method: clinical testing. Allele origin: unknown.
Comment: The BRIP1 c.2087C>T (p.Pro696Leu) variant has been reported in the published literature in individuals with breast cancer (PMID: 26921362 (2016), 29368626 (2018)) and ovarian cancer (PMID: 31882575 (2019)). This variant has also been identified in an individual with a hematological malignancy (PMID: 37216690 (2023)). The frequency of this variant in the general population (Genome Aggregation Database) is uninformative in the assessment of its pathogenicity. Analysis of this variant using bioinformatics tools for the prediction of the effect of amino acid changes on protein structure and function yielded predictions that this variant is damaging. Based on the available information, we are unable to determine the clinical significance of this variant.

Center for Genomic Medicine, Rigshospitalet, Copenhagen University Hospital
Classification: Uncertain significance. Last evaluated: 2025-03-04. Review status: criteria provided, single submitter. Criteria: ACMG Guidelines, 2015. Collection method: clinical testing. Allele origin: germline.
Comment: Classification criteria: PP3_strong

Color Diagnostics, LLC DBA Color Health
Classification: Uncertain significance for Hereditary cancer-predisposing syndrome. Last evaluated: 2025-02-25. Review status: criteria provided, single submitter. Criteria: ACMG Guidelines, 2015. Collection method: clinical testing. Allele origin: germline.
Comment: This missense variant replaces proline with leucine at codon 696 of the BRIP1 protein. Computational prediction suggests that this variant may have deleterious impact on protein structure and function. A functional study showed that this variant was unable to confer resistance to the interstrand crosslink inducing agents mitomycin C and cisplatin (DOI: 10.1101/2023.07.03.23290133). This variant has been reported in over twenty individuals affected with breast and/or ovarian cancer (PMID: 26921362, 27153395, 29368626, 31882575, 33471991, 36035419, 38734904; DOI: 10.1101/2023.07.03.23290133) and nine unaffected control individuals (PMID: 26921362, 33471991). Large case-control studies have been inconclusive about whether this variant is associated with increased breast cancer risk (PMID: 26921362, 33471991). This variant has been identified in 16/282756 chromosomes in the general population by the Genome Aggregation Database (gnomAD). The available evidence is insufficient to determine the role of this variant in disease conclusively. Therefore, this variant is classified as a Variant of Uncertain Significance.

Ambry Genetics
Classification: Uncertain significance for Hereditary cancer-predisposing syndrome. Last evaluated: 2025-02-24. Review status: criteria provided, single submitter. Criteria: Ambry Variant Classification Scheme 2023. Collection method: clinical testing. Allele origin: germline.
Comment: The p.P696L variant (also known as c.2087C>T), located in coding exon 13 of the BRIP1 gene, results from a C to T substitution at nucleotide position 2087. The proline at codon 696 is replaced by leucine, an amino acid with similar properties. In one study, this alteration was observed in 0/706 cases with ovarian cancer, 1/6341 cases with breast cancer and 5/36687 controls (Weber-Lassalle N et al. Breast Cancer Res. 2018 Jan;20:7). This amino acid position is highly conserved in available vertebrate species. In addition, this alteration is predicted to be deleterious by in silico analysis. Since supporting evidence is limited at this time, the clinical significance of this alteration remains unclear.

Blueprint Genetics
Classification: Uncertain significance. Last evaluated: 2024-09-16. Review status: criteria provided, single submitter. Criteria: ACMG Guidelines, 2015. Collection method: clinical testing. Allele origin: germline.

Baylor Genetics
Classification: Uncertain significance for Familial cancer of breast. Last evaluated: 2024-03-28. Review status: criteria provided, single submitter. Criteria: ACMG Guidelines, 2015. Collection method: clinical testing. Allele origin: unknown.

CHEO Genetics Diagnostic Laboratory, Children's Hospital of Eastern Ontario
Classification: Uncertain significance for Breast and/or ovarian cancer. Last evaluated: 2023-05-24. Review status: criteria provided, single submitter. Criteria: ACMG Guidelines, 2015. Collection method: clinical testing. Allele origin: germline.

Myriad Genetics, Inc.
Classification: Uncertain significance for Familial cancer of breast. Last evaluated: 2023-03-02. Review status: criteria provided, single submitter. Criteria: Myriad Autosomal Dominant, Autosomal Recessive and X-Linked Classification Criteria (2023). Collection method: clinical testing. Allele origin: unknown.
Comment: This variant is classified as a variant of uncertain significance as there is insufficient evidence to determine its impact on protein function and/or cancer risk.

NM_032043.3(BRIP1):c.2087C>T (p.Pro696Leu)

Gene: BRIP1 (BRCA1 interacting DNA helicase 1; minus strand). Cytogenetic location: 17q23.2.
Variant type: single nucleotide variant.
Coding change: c.2087C>T on transcript NM_032043.3 (MANE Select); coding-DNA position 2087, C replaced by T.
Protein change: p.Pro696Leu; replaces proline 696 with leucine.
Molecular consequence: missense variant.
Genome position (GRCh38, 1-based): chr17:61,776,411, G>A on the plus strand (C>T on the coding strand, the complement: BRIP1 is on the minus strand). VCF-style: chr17-61776411-G-A. GRCh37 (hg19) VCF-style: chr17-59853772-G-A.
Other names: p.P696L:CCA>CTA; short protein forms P696L.
Identifiers: ClinVar variation 128167 (VCV000128167.59), dbSNP rs147755155, ClinGen allele CA288543.
Genomic context (GRCh38, chr17:61,776,411, plus strand): 5'-AAATGTAAATGATTATTTAAAGGCAAAAGAAACAATAAATATTCCCTTACCTTGTAAGAT[G>A]GCAAGAAACACAAAATTCCTTGGCTCACAGTCTGGCACACAGATAACAAAAGTGCTCCCA-3'
Protein context (NP_114432.2, residues 686-706): TVSQGILCFL[Pro696Leu]SYKLLEKLKE